The following is an entry in ClinVar:

NM_001206927.2(DNAH8):c.13835G>T (p.Gly4612Val)

Gene: DNAH8 (dynein axonemal heavy chain 8; plus strand). Cytogenetic location: 6p21.2.
Variant type: single nucleotide variant.
Coding change: c.13835G>T on transcript NM_001206927.2 (MANE Select); coding-DNA position 13835, G replaced by T.
Protein change: p.Gly4612Val; replaces glycine 4612 with valine.
Molecular consequence: missense variant.
Genome position (GRCh38, 1-based): chr6:39,026,666, G>T. VCF-style: chr6-39026666-G-T. GRCh37 (hg19) VCF-style: chr6-38994442-G-T.
Other names: c.13184G>T, p.Gly4395Val (NM_001371.4); short protein forms G4395V, G4612V.
Identifiers: ClinVar variation 953568 (VCV000953568.5), dbSNP rs371583300, ClinGen allele CA3791786.

ClinVar aggregate classification (germline): Conflicting classifications of pathogenicity. Review status: criteria provided, conflicting classifications (1 of 4 stars). 2 submissions from 2 submitters: Uncertain significance (1); Likely benign (1). Last evaluated 2025-05-26.

Conditions:
Primary ciliary dyskinesia. Also called: Ciliary dyskinesia. Identifiers: Orphanet 244, MedGen C0008780, MONDO:0016575, HP:0012265.

Allele frequency attached by ClinVar (database versions not stated): gnomAD exomes 0.00004; ExAC 0.00005; TOPMed 0.00005; ESP Exome Variant Server 0.00008; gnomAD 0.00008 and 0.00009.
gnomAD v4.1: 122 of 1,612,898 alleles (0.0076%); highest among the groups gnomAD compares: Non-Finnish European, 0.01%; no homozygotes.

Submissions (2):

Ambry Genetics
Classification: Likely benign. Last evaluated: 2025-05-26. Review status: criteria provided, single submitter. Criteria: Ambry Variant Classification Scheme 2023. Collection method: clinical testing. Allele origin: germline.

Labcorp Genetics (formerly Invitae), Labcorp
Classification: Uncertain significance for Primary ciliary dyskinesia. Last evaluated: 2022-09-26. Review status: criteria provided, single submitter. Criteria: Invitae Variant Classification Sherloc (09022015). Collection method: clinical testing. Allele origin: germline.
Comment: This sequence change replaces glycine, which is neutral and non-polar, with valine, which is neutral and non-polar, at codon 4612 of the DNAH8 protein (p.Gly4612Val). This variant is present in population databases (rs371583300, gnomAD 0.009%). This variant has not been reported in the literature in individuals affected with DNAH8-related conditions. ClinVar contains an entry for this variant (Variation ID: 953568). Algorithms developed to predict the effect of missense changes on protein structure and function output the following: SIFT: "Tolerated"; PolyPhen-2: "Not Available"; Align-GVGD: "Class C0". The valine amino acid residue is found in multiple mammalian species, which suggests that this missense change does not adversely affect protein function. In summary, the available evidence is currently insufficient to determine the role of this variant in disease. Therefore, it has been classified as a Variant of Uncertain Significance.